The following is an entry in ClinVar:

NM_004963.4(GUCY2C):c.1931-3C>T

Gene: GUCY2C (guanylate cyclase 2C; minus strand). Cytogenetic location: 12p12.3.
Variant type: single nucleotide variant.
Coding change: c.1931-3C>T on transcript NM_004963.4 (MANE Select); 3 bases into the intron before coding-DNA position 1931, C replaced by T.
Molecular consequence: intron variant.
Genome position (GRCh38, 1-based): chr12:14,641,222, G>A on the plus strand (C>T on the coding strand, the complement: GUCY2C is on the minus strand). VCF-style: chr12-14641222-G-A. GRCh37 (hg19) VCF-style: chr12-14794156-G-A.
Identifiers: ClinVar variation 3622634 (VCV003622634.2).
Genomic context (GRCh38, chr12:14,641,222, plus strand): 5'-ACATCTCCTTTCTGAGAGATGTTGGCTTGGCGGAGGTGCTCTGGAGCTGTCCACAGGTCT[G>A]TAAATGTAGACATTGAGATTACAAAGTTGAGGGGGGTGAGTGGTTCATAGGCCTCCAACC-3'

ClinVar aggregate classification (germline): Uncertain significance (1 of 4 stars; one submission).

gnomAD v4.1: 11 of 1,612,832 alleles (0.00068%); highest among the groups gnomAD compares: African/African-American, 0.0027%; no homozygotes.

Submission:

Labcorp Genetics (formerly Invitae), Labcorp
Classification: Uncertain significance. Last evaluated: 2024-09-03. Review status: criteria provided, single submitter. Criteria: Invitae Variant Classification Sherloc (09022015). Collection method: clinical testing. Allele origin: germline.
Comment: This sequence change falls in intron 17 of the GUCY2C gene. It does not directly change the encoded amino acid sequence of the GUCY2C protein. It affects a nucleotide within the consensus splice site. This variant is present in population databases (rs374669634, gnomAD 0.004%). This variant has not been reported in the literature in individuals affected with GUCY2C-related conditions. Variants that disrupt the consensus splice site are a relatively common cause of aberrant splicing (PMID: 17576681, 9536098). Algorithms developed to predict the effect of sequence changes on RNA splicing suggest that this variant is not likely to affect RNA splicing. In summary, the available evidence is currently insufficient to determine the role of this variant in disease. Therefore, it has been classified as a Variant of Uncertain Significance.

Literature cited by the submitters: PubMed 17576681; PubMed 9536098.